The following is an entry in ClinVar:

NM_004991.4(MECOM):c.2035G>T (p.Val679Leu)

Gene: MECOM (MDS1 and EVI1 complex locus; minus strand). Cytogenetic location: 3q26.2.
Variant type: single nucleotide variant.
Coding change: c.2035G>T on transcript NM_004991.4 (MANE Select); coding-DNA position 2035, G replaced by T.
Protein change: p.Val679Leu; replaces valine 679 with leucine.
Molecular consequence: missense variant. On other transcripts: intron variant (2).
Genome position (GRCh38, 1-based): chr3:169,115,837, C>A on the plus strand (G>T on the coding strand, the complement: MECOM is on the minus strand). VCF-style: chr3-169115837-C-A. GRCh37 (hg19) VCF-style: chr3-168833625-C-A.
Other names: c.1666G>T, p.Val556Leu (NM_001105077.4); c.1471G>T, p.Val491Leu (NM_001105078.4, NM_001164000.2, NM_001205194.2 and 4 more transcripts); c.1474G>T, p.Val492Leu (NM_001163999.2, NM_001366467.2, NM_001366468.2 and 1 more transcripts); c.2035G>T, p.Val679Leu (NM_001366466.2); c.1133-70G>T (NM_001366473.2); c.569-70G>T (NM_001366474.2); short protein forms V556L, V492L, V679L, V491L.
Identifiers: ClinVar variation 4053125 (VCV004053125.1).

ClinVar aggregate classification (germline): Uncertain significance (1 of 4 stars; one submission).

Conditions:
Inborn genetic diseases. Identifiers: MedGen C0950123, MeSH D030342.

gnomAD v4.1: 5 of 1,613,968 alleles (0.00031%); highest among the groups gnomAD compares: Admixed American, 0.0083%; no homozygotes.

Submission:

Ambry Genetics
Classification: Uncertain significance for Inborn genetic diseases. Last evaluated: 2025-03-31. Review status: criteria provided, single submitter. Criteria: Ambry Variant Classification Scheme 2023. Collection method: clinical testing. Allele origin: germline.
Comment: The p.V679L variant (also known as c.2035G>T), located in coding exon 8 of the MECOM gene, results from a G to T substitution at nucleotide position 2035. The valine at codon 679 is replaced by leucine, an amino acid with highly similar properties. This amino acid position is conserved. In addition, this alteration is predicted to be tolerated by in silico analysis. Based on the available evidence, the clinical significance of this variant remains unclear.